The following is an entry in ClinVar:

ClinVar aggregate classification (germline): Uncertain significance. Review status: criteria provided, multiple submitters, no conflicts (2 of 4 stars). 4 submissions from 4 submitters: Uncertain significance (4). Last evaluated 2025-02-25.

Conditions:
Inborn genetic diseases. Identifiers: MedGen C0950123, MeSH D030342.
Muscular dystrophy-dystroglycanopathy (congenital with brain and eye anomalies), type a, 8 (MDDGA8). Also called: WALKER-WARBURG SYNDROME OR MUSCLE-EYE-BRAIN DISEASE, GTDC2-RELATED. Identifiers: Orphanet 899, MedGen C3553813, MONDO:0013904, OMIM 614830.

Allele frequency attached by ClinVar (database versions not stated): ESP Exome Variant Server 0.00015; 1000 Genomes Project 0.00020; gnomAD 0.00017 and 0.00016; 1000 Genomes Project 30x 0.00031; TOPMed 0.00032; ExAC 0.00006.

Submissions (4):

Revvity Omics, Revvity
Classification: Uncertain significance. Last evaluated: 2025-02-25. Review status: criteria provided, single submitter. Criteria: ACMG Guidelines, 2015. Collection method: clinical testing. Allele origin: germline.

Ambry Genetics
Classification: Uncertain significance for Inborn genetic diseases. Last evaluated: 2024-12-10. Review status: criteria provided, single submitter. Criteria: Ambry Variant Classification Scheme 2023. Collection method: clinical testing. Allele origin: germline.

Labcorp Genetics (formerly Invitae), Labcorp
Classification: Uncertain significance for Muscular dystrophy-dystroglycanopathy (congenital with brain and eye anomalies), type a, 8. Last evaluated: 2022-08-16. Review status: criteria provided, single submitter. Criteria: Invitae Variant Classification Sherloc (09022015). Collection method: clinical testing. Allele origin: germline.
Comment: This sequence change replaces arginine, which is basic and polar, with histidine, which is basic and polar, at codon 357 of the POMGNT2 protein (p.Arg357His). This variant is present in population databases (rs144487961, gnomAD 0.06%). This variant has not been reported in the literature in individuals affected with POMGNT2-related conditions. ClinVar contains an entry for this variant (Variation ID: 646038). Algorithms developed to predict the effect of missense changes on protein structure and function are either unavailable or do not agree on the potential impact of this missense change (SIFT: "Tolerated"; PolyPhen-2: "Probably Damaging"; Align-GVGD: "Class C0"). In summary, the available evidence is currently insufficient to determine the role of this variant in disease. Therefore, it has been classified as a Variant of Uncertain Significance.

GeneDx
Classification: Uncertain significance. Last evaluated: 2022-02-22. Review status: criteria provided, single submitter. Criteria: GeneDx Variant Classification Process June 2021. Collection method: clinical testing. Allele origin: germline. Affected: yes.
Comment: In silico analysis supports that this missense variant does not alter protein structure/function; Has not been previously published as pathogenic or benign to our knowledge

NM_032806.6(POMGNT2):c.1070G>A (p.Arg357His)

Gene: POMGNT2 (protein O-linked mannose N-acetylglucosaminyltransferase 2 (beta 1,4-); minus strand). Cytogenetic location: 3p22.1.
Variant type: single nucleotide variant.
Coding change: c.1070G>A on transcript NM_032806.6 (MANE Select); coding-DNA position 1070, G replaced by A.
Protein change: p.Arg357His; replaces arginine 357 with histidine.
Molecular consequence: missense variant.
Genome position (GRCh38, 1-based): chr3:43,080,362, C>T on the plus strand (G>A on the coding strand, the complement: POMGNT2 is on the minus strand). VCF-style: chr3-43080362-C-T. GRCh37 (hg19) VCF-style: chr3-43121854-C-T.
Other names: c.1070G>A (NM_032806.4); short protein forms R357H.
Identifiers: ClinVar variation 646038 (VCV000646038.8), dbSNP rs144487961, ClinGen allele CA2339940.